The following is an entry in ClinVar:

ClinVar aggregate classification (germline): Conflicting classifications of pathogenicity. Review status: criteria provided, conflicting classifications (1 of 4 stars). 4 submissions from 4 submitters: Uncertain significance (3); Benign (1). Last evaluated 2026-01-15.

Conditions:
Hereditary breast ovarian cancer syndrome. Also called: Hereditary breast and ovarian cancer; Hereditary breast and/or ovarian cancer syndrome; BRCA1- and BRCA2-Associated Hereditary Breast and Ovarian Cancer; Hereditary breast and ovarian cancer syndrome; Hereditary breast and ovarian cancer syndrome (HBOC); Breast and ovarian cancer. Identifiers: Orphanet 145, MedGen C0677776, MeSH D061325, MONDO:0003582. Disease mechanism: loss of function.
Hereditary cancer-predisposing syndrome. Also called: Tumor predisposition; Hereditary Cancer Syndrome; Hereditary neoplastic syndrome; Neoplastic Syndromes, Hereditary. Identifiers: Orphanet 140162, MedGen C0027672, MeSH D009386, MONDO:0015356.

Allele frequency attached by ClinVar (database versions not stated): gnomAD exomes below 0.00001.
gnomAD v4.1: 2 of 1,614,220 alleles (0.00012%); highest among the groups gnomAD compares: Non-Finnish European, 0.00017%; no homozygotes.

Submissions (4):

Women's Health and Genetics/Laboratory Corporation of America, LabCorp
Classification: Uncertain significance. Last evaluated: 2026-01-15. Review status: criteria provided, single submitter. Criteria: LabCorp Variant Classification Summary - May 2015. Collection method: clinical testing. Allele origin: germline.

Ambry Genetics
Classification: Benign for Hereditary cancer-predisposing syndrome. Last evaluated: 2025-05-09. Review status: criteria provided, single submitter. Criteria: Ambry Variant Classification Scheme 2023. Collection method: clinical testing. Allele origin: germline.

Color Diagnostics, LLC DBA Color Health
Classification: Uncertain significance for Hereditary cancer-predisposing syndrome. Last evaluated: 2024-01-23. Review status: criteria provided, single submitter. Criteria: ACMG Guidelines, 2015. Collection method: clinical testing. Allele origin: germline.
Comment: This missense variant replaces isoleucine with valine at codon 2693 of the BRCA2 protein. Computational prediction suggests that this variant may not impact protein structure and function. To our knowledge, functional studies have not been reported for this variant. This variant has been reported in an individual affected with gallbladder cancer (PMID: 29416916). This variant has not been identified in the general population by the Genome Aggregation Database (gnomAD). The available evidence is insufficient to determine the role of this variant in disease conclusively. Therefore, this variant is classified as a Variant of Uncertain Significance.

Labcorp Genetics (formerly Invitae), Labcorp
Classification: Uncertain significance for Hereditary breast ovarian cancer syndrome. Last evaluated: 2022-03-23. Review status: criteria provided, single submitter. Criteria: Invitae Variant Classification Sherloc (09022015). Collection method: clinical testing. Allele origin: germline.
Comment: In summary, the available evidence is currently insufficient to determine the role of this variant in disease. Therefore, it has been classified as a Variant of Uncertain Significance. Algorithms developed to predict the effect of sequence changes on RNA splicing suggest that this variant may create or strengthen a splice site. Advanced modeling of protein sequence and biophysical properties (such as structural, functional, and spatial information, amino acid conservation, physicochemical variation, residue mobility, and thermodynamic stability) performed at Invitae indicates that this missense variant is not expected to disrupt BRCA2 protein function. ClinVar contains an entry for this variant (Variation ID: 409602). This variant has not been reported in the literature in individuals affected with BRCA2-related conditions. This variant is not present in population databases (gnomAD no frequency). This sequence change replaces isoleucine, which is neutral and non-polar, with valine, which is neutral and non-polar, at codon 2693 of the BRCA2 protein (p.Ile2693Val).

Literature cited by the submitters: PubMed 29416916 (cited by Color Diagnostics, LLC DBA Color Health).

NM_000059.4(BRCA2):c.8077A>G (p.Ile2693Val)

Gene: BRCA2 (BRCA2 DNA repair associated; plus strand). Cytogenetic location: 13q13.1.
Variant type: single nucleotide variant.
Coding change: c.8077A>G on transcript NM_000059.4 (MANE Select); coding-DNA position 8077, A replaced by G.
Protein change: p.Ile2693Val; replaces isoleucine 2693 with valine.
Molecular consequence: missense variant.
Genome position (GRCh38, 1-based): chr13:32,363,279, A>G. VCF-style: chr13-32363279-A-G. GRCh37 (hg19) VCF-style: chr13-32937416-A-G.
Other names: short protein forms I2693V.
Identifiers: ClinVar variation 409602 (VCV000409602.15), dbSNP rs1060502493, ClinGen allele CA16614227.